The following is an entry in ClinVar:

ClinVar aggregate classification (germline): Likely benign. Review status: criteria provided, multiple submitters, no conflicts (2 of 4 stars). 4 submissions from 4 submitters: Likely benign (4). Last evaluated 2025-12-29.

Conditions:
Intellectual developmental disorder, autosomal dominant 43. Also called: Intellectual disability, autosomal dominant 43. Identifiers: MedGen C4707429, MONDO:0014858, OMIM 616977.
Inborn genetic diseases. Identifiers: MedGen C0950123, MeSH D030342.

Allele frequency attached by ClinVar (database versions not stated): 1000 Genomes Project 30x 0.00047; TOPMed 0.00004; ExAC 0.00007; 1000 Genomes Project 0.00020; gnomAD 0.00005.
gnomAD v4.1: 111 of 1,614,142 alleles (0.0069%); highest among the groups gnomAD compares: Non-Finnish European, 0.0092%; no homozygotes.

Submissions (4):

Labcorp Genetics (formerly Invitae), Labcorp
Classification: Likely benign. Last evaluated: 2025-12-29. Review status: criteria provided, single submitter. Criteria: Invitae Variant Classification Sherloc (09022015). Collection method: clinical testing. Allele origin: germline.

CeGaT Center for Human Genetics Tuebingen
Classification: Likely benign. Last evaluated: 2025-09-01. Review status: criteria provided, single submitter. Criteria: CeGaT Center For Human Genetics Tuebingen Variant Classification Criteria Version 2. Collection method: clinical testing. Allele origin: germline. Affected: yes. Observed: 1 variant allele.
Comment: HIVEP2: BS2

Ambry Genetics
Classification: Likely benign for Inborn genetic diseases. Last evaluated: 2024-08-12. Review status: criteria provided, single submitter. Criteria: Ambry Variant Classification Scheme 2023. Collection method: clinical testing. Allele origin: germline.

Department of Pathology and Laboratory Medicine, Sinai Health System
Classification: Likely benign for Intellectual developmental disorder, autosomal dominant 43. Last evaluated: 2022-03-29. Review status: criteria provided, single submitter. Criteria: ACMG Guidelines, 2015. Collection method: research. Allele origin: germline.

NM_006734.4(HIVEP2):c.6948C>A (p.Asn2316Lys)

Gene: HIVEP2 (HIVEP zinc finger 2; minus strand). Cytogenetic location: 6q24.2.
Variant type: single nucleotide variant.
Coding change: c.6948C>A on transcript NM_006734.4 (MANE Select); coding-DNA position 6948, C replaced by A.
Protein change: p.Asn2316Lys; replaces asparagine 2316 with lysine.
Molecular consequence: missense variant.
Genome position (GRCh38, 1-based): chr6:142,753,500, G>T on the plus strand (C>A on the coding strand, the complement: HIVEP2 is on the minus strand). VCF-style: chr6-142753500-G-T. GRCh37 (hg19) VCF-style: chr6-143074637-G-T.
Other names: c.6948C>A (NM_006734.3); short protein forms N2316K.
Identifiers: ClinVar variation 1928166 (VCV001928166.14), dbSNP rs200158792, ClinGen allele CA4027603.